The following is an entry in ClinVar:

ClinVar aggregate classification (germline): Uncertain significance. Review status: criteria provided, multiple submitters, no conflicts (2 of 4 stars). 2 submissions from 2 submitters: Uncertain significance (2). Last evaluated 2024-07-06.

Submissions (2):

Ambry Genetics
Classification: Uncertain significance. Last evaluated: 2024-07-06. Review status: criteria provided, single submitter. Criteria: Ambry Variant Classification Scheme 2023. Collection method: clinical testing. Allele origin: germline.

Labcorp Genetics (formerly Invitae), Labcorp
Classification: Uncertain significance. Last evaluated: 2024-04-29. Review status: criteria provided, single submitter. Criteria: Invitae Variant Classification Sherloc (09022015). Collection method: clinical testing. Allele origin: germline.
Comment: This sequence change replaces threonine, which is neutral and polar, with asparagine, which is neutral and polar, at codon 443 of the NPAT protein (p.Thr443Asn). This variant is present in population databases (rs369197687, gnomAD 0.09%), and has an allele count higher than expected for a pathogenic variant. This variant has not been reported in the literature in individuals affected with NPAT-related conditions. ClinVar contains an entry for this variant (Variation ID: 1921259). An algorithm developed to predict the effect of missense changes on protein structure and function (PolyPhen-2) suggests that this variant is likely to be disruptive. In summary, the available evidence is currently insufficient to determine the role of this variant in disease. Therefore, it has been classified as a Variant of Uncertain Significance.

NM_002519.3(NPAT):c.1328C>A (p.Thr443Asn)

Gene: NPAT (nuclear protein, coactivator of histone transcription; minus strand). Cytogenetic location: 11q22.3.
Variant type: single nucleotide variant.
Coding change: c.1328C>A on transcript NM_002519.3 (MANE Select); coding-DNA position 1328, C replaced by A.
Protein change: p.Thr443Asn; replaces threonine 443 with asparagine.
Molecular consequence: missense variant.
Genome position (GRCh38, 1-based): chr11:108,173,656, G>T on the plus strand (C>A on the coding strand, the complement: NPAT is on the minus strand). VCF-style: chr11-108173656-G-T. GRCh37 (hg19) VCF-style: chr11-108044383-G-T.
Other names: c.1328C>A (NM_002519.2); c.1328C>A, p.Thr443Asn (NM_001321307.1); short protein forms T443N.
Identifiers: ClinVar variation 1921259 (VCV001921259.6), dbSNP rs369197687, ClinGen allele CA6264018.
Genomic context (GRCh38, chr11:108,173,656, plus strand): 5'-CATTCAGCATTAGAATTCCCTCTTTGGTTAAAGTCATTCAAATTAGGCACGGACTCAAAG[G>T]TAATGTCAATGTCACACTTCTGTTCAGTGGGTACAGCTGTTTTAAAGGCCTTTTTCTGTA-3'
Protein context (NP_002510.2, residues 433-453): PTEQKCDIDI[Thr443Asn]FESVPNLNDF